The following is an entry in ClinVar:

ClinVar aggregate classification (germline): Benign (1 of 4 stars; one submission).

Submission:

ISCA site 4
Classification: Benign. Last evaluated: 2011-08-12. Review status: criteria provided, single submitter. Criteria: Kaminsky et al. (Genet Med. 2011). Collection method: clinical testing. Allele origin: unknown. Affected: yes. Observed: 1 variant allele.
Comment: Copy number variation identified through the course of routine clinical cytogenomic testing in postnatal populations. Clinical assertions have been curated as described in Kaminsky et al. 2011.

GRCh38/hg38 Xq28(chrX:155980375-156013167)x1

Gene: IL9R (interleukin 9 receptor; plus strand). Cytogenetic location: Xq28.
Variant type: copy number loss.
Change: copy number 1 of chrX:155,980,375-156,013,167 (32.8 kb, GRCh38 coordinates, 1-based), cytogenetic band Xq28.
Identifiers: ClinVar variation 144089 (VCV000144089.1).